The following is an entry in ClinVar:

ClinVar aggregate classification (germline): Uncertain significance (1 of 4 stars; one submission).

Submission:

GeneDx
Classification: Uncertain significance. Last evaluated: 2025-03-11. Review status: criteria provided, single submitter. Criteria: GeneDx Variant Classification Process June 2021. Collection method: clinical testing. Allele origin: germline. Affected: yes.
Comment: Not observed at significant frequency in large population cohorts (gnomAD); In-frame deletion of 9 amino acid(s) in a non-repeat region; In silico analysis supports a deleterious effect on protein structure/function; Has not been previously published as pathogenic or benign to our knowledge

NM_002430.3(MN1):c.1765_1791del (p.Val590_Leu598del)

Gene: MN1 (MN1 proto-oncogene, transcriptional regulator; minus strand). Cytogenetic location: 22q12.1.
Variant type: Deletion.
Coding change: c.1765_1791del on transcript NM_002430.3 (MANE Select); coding-DNA positions 1765 to 1791, 27 bases deleted (CTGGTGCATGGCGGCCCGGTGGGCGGC).
Protein change: p.Val590_Leu598del.
Genome position (GRCh38, 1-based): chr22:27,798,753-27,798,779, GCCGCCCACCGGGCCGCCATGCACCAG deleted on the plus strand (CTGGTGCATGGCGGCCCGGTGGGCGGC on the coding strand, the reverse complement: MN1 is on the minus strand); deleting any 27 consecutive bases within chr22:27,798,753-27,798,786 gives the same sequence; the c. name uses the placement nearest the transcript's 3' end. VCF-style (leftmost placement, unchanged base first): chr22-27798752-AGCCGCCCACCGGGCCGCCATGCACCAG-A. GRCh37 (hg19) VCF-style: chr22-28194740-AGCCGCCCACCGGGCCGCCATGCACCAG-A.
Identifiers: ClinVar variation 4082972 (VCV004082972.1).
Genomic context (GRCh38, chr22:27,798,752, plus strand): 5'-AGGTGCCCAGACGCCCGGCGCCCGTGCTGCCGCCTTCGCGCTCAAAGTTCGGCTGGGCCA[AGCCGCCCACCGGGCCGCCATGCACCAG>A]GCCGCCCTGGCCCACGTCCCCGGGGTGGCCTAGCTGAGCCAGGTTGGGCTGGCGCAGCCG-3'